The following is an entry in ClinVar:

NM_003998.4(NFKB1):c.2745A>G (p.Gln915=)

Gene: NFKB1 (nuclear factor kappa B subunit 1; plus strand). Cytogenetic location: 4q24.
Variant type: single nucleotide variant.
Coding change: c.2745A>G on transcript NM_003998.4 (MANE Select); coding-DNA position 2745, A replaced by G.
Protein change: p.Gln915=; no amino-acid change (glutamine 915 retained).
Molecular consequence: synonymous variant.
Genome position (GRCh38, 1-based): chr4:102,613,577, A>G. VCF-style: chr4-102613577-A-G. GRCh37 (hg19) VCF-style: chr4-103534734-A-G.
Other names: c.2742A>G, p.Gln914= (NM_001165412.2, NM_001319226.2, NM_001382627.1); c.2745A>G, p.Gln915= (NM_001382625.1, NM_001382626.1); c.2703A>G, p.Gln901= (NM_001382628.1).
Identifiers: ClinVar variation 1683613 (VCV001683613.2), dbSNP rs2149232815, ClinGen allele CA440533503.

ClinVar aggregate classification (germline): Uncertain significance (1 of 4 stars; one submission).

Conditions:
Immunodeficiency, common variable, 12 (CVID12). Also called: IMMUNODEFICIENCY, COMMON VARIABLE, 12, WITH AUTOIMMUNITY; NFKB1 DEFICIENCY. Identifiers: Orphanet 1572, Orphanet 696874, MedGen C4225277, MONDO:0014697, OMIM 616576.

Submission:

Laboratorio de Genetica e Diagnostico Molecular, Hospital Israelita Albert Einstein
Classification: Uncertain significance for Immunodeficiency, common variable, 12. Last evaluated: 2021-03-26. Review status: criteria provided, single submitter. Criteria: ACMG Guidelines, 2015. Collection method: clinical testing. Allele origin: germline. Affected: yes.
Comment: ACMG classification criteria: PM2